The following is an entry in ClinVar:

NM_000256.3(MYBPC3):c.3491G>A (p.Gly1164Asp)

Gene: MYBPC3 (myosin binding protein C3; minus strand). Cytogenetic location: 11p11.2.
Variant type: single nucleotide variant.
Coding change: c.3491G>A on transcript NM_000256.3 (MANE Select); coding-DNA position 3491, G replaced by A.
Protein change: p.Gly1164Asp; replaces glycine 1164 with aspartic acid.
Molecular consequence: missense variant.
Genome position (GRCh38, 1-based): chr11:47,332,702, C>T on the plus strand (G>A on the coding strand, the complement: MYBPC3 is on the minus strand). VCF-style: chr11-47332702-C-T. GRCh37 (hg19) VCF-style: chr11-47354253-C-T.
Other names: short protein forms G1164D.
Identifiers: ClinVar variation 3070411 (VCV003070411.3), dbSNP rs1296982794, ClinGen allele CA380312941.

ClinVar aggregate classification (germline): Uncertain significance. Review status: criteria provided, multiple submitters, no conflicts (2 of 4 stars). 3 submissions from 3 submitters: Uncertain significance (3). Last evaluated 2025-03-14.

Conditions:
Hypertrophic cardiomyopathy 4. Also called: Familial hypertrophic cardiomyopathy 4. Identifiers: MedGen C1861862, MONDO:0007268, OMIM 115197.
Hypertrophic cardiomyopathy. Also called: HYPERTROPHIC MYOCARDIOPATHY. Identifiers: Orphanet 217569, MedGen C0007194, MeSH D002312, MONDO:0005045, HP:0001639.

gnomAD v4.1: 1 of 1,606,672 alleles (0.000062%); no homozygotes.

Submissions (3):

3billion
Classification: Uncertain significance for Hypertrophic cardiomyopathy 4. Last evaluated: 2025-03-14. Review status: criteria provided, single submitter. Criteria: ACMG Guidelines, 2015. Collection method: clinical testing. Allele origin: germline. Affected: yes.

GeneDx
Classification: Uncertain significance. Last evaluated: 2025-01-08. Review status: criteria provided, single submitter. Criteria: GeneDx Variant Classification Process June 2021. Collection method: clinical testing. Allele origin: germline. Affected: yes.
Comment: Not observed at significant frequency in large population cohorts (gnomAD); In silico analysis supports that this missense variant has a deleterious effect on protein structure/function; Has not been previously published as pathogenic or benign to our knowledge

All of Us Research Program, National Institutes of Health
Classification: Uncertain significance for Hypertrophic cardiomyopathy. Last evaluated: 2023-04-10. Review status: criteria provided, single submitter. Criteria: ACMG Guidelines, 2015. Collection method: clinical testing. Allele origin: germline. Inheritance: Autosomal dominant inheritance. Observed: 1 variant allele, 1 heterozygote.
Comment: This missense variant replaces glycine with aspartic acid at codon 1164 of the MYBPC3 protein. Splice site prediction tools are inconclusive regarding the impact of this variant on RNA splicing. Computational prediction is inconclusive regarding the impact of this variant on protein structure and function (internally defined REVEL score threshold 0.5 < inconclusive < 0.7, PMID: 27666373). To our knowledge, functional studies have not been reported for this variant. This variant has not been reported in individuals affected with cardiovascular disorders in the literature. This variant has been identified in 1/31346 chromosomes in the general population by the Genome Aggregation Database (gnomAD). The available evidence is insufficient to determine the role of this variant in disease conclusively. Therefore, this variant is classified as a Variant of Uncertain Significance.

This study involves interpretation of variants in research participants for the purpose of population health screening. Participant phenotype was not available at the time of variant classification. Additional details can be found in publication PMID: 35346344, PMCID: PMC8962531